The following is an entry in ClinVar:

ClinVar aggregate classification (germline): Uncertain significance. Review status: criteria provided, multiple submitters, no conflicts (2 of 4 stars). 2 submissions from 2 submitters: Uncertain significance (2). Last evaluated 2024-01-11.

Conditions:
Renal cell carcinoma. Identifiers: Orphanet 217071, MedGen C0007134, MeSH D002292, MONDO:0005086, HP:0005584.
Hereditary cancer-predisposing syndrome. Also called: Neoplastic Syndromes, Hereditary; Tumor predisposition; Hereditary neoplastic syndrome; Hereditary Cancer Syndrome. Identifiers: Orphanet 140162, MedGen C0027672, MeSH D009386, MONDO:0015356.

Submissions (2):

Ambry Genetics
Classification: Uncertain significance for Hereditary cancer-predisposing syndrome. Last evaluated: 2024-01-11. Review status: criteria provided, single submitter. Criteria: Ambry Variant Classification Scheme 2023. Collection method: clinical testing. Allele origin: germline.
Comment: The p.P485S variant (also known as c.1453C>T), located in coding exon 3 of the MET gene, results from a C to T substitution at nucleotide position 1453. The proline at codon 485 is replaced by serine, an amino acid with similar properties. This amino acid position is conserved. In addition, this alteration is predicted to be tolerated by in silico analysis. Since supporting evidence is limited at this time, the clinical significance of this alteration remains unclear.

Labcorp Genetics (formerly Invitae), Labcorp
Classification: Uncertain significance for Renal cell carcinoma. Last evaluated: 2021-02-04. Review status: criteria provided, single submitter. Criteria: Invitae Variant Classification Sherloc (09022015). Collection method: clinical testing. Allele origin: germline.
Comment: Algorithms developed to predict the effect of missense changes on protein structure and function are either unavailable or do not agree on the potential impact of this missense change (SIFT: "Deleterious"; PolyPhen-2: "Benign"; Align-GVGD: "Class C0"). This variant has not been reported in the literature in individuals with MET-related conditions. This variant is not present in population databases (ExAC no frequency). This sequence change replaces proline with serine at codon 485 of the MET protein (p.Pro485Ser). The proline residue is highly conserved and there is a moderate physicochemical difference between proline and serine. In summary, the available evidence is currently insufficient to determine the role of this variant in disease. Therefore, it has been classified as a Variant of Uncertain Significance.

NM_000245.4(MET):c.1453C>T (p.Pro485Ser)

Gene: MET (MET proto-oncogene, receptor tyrosine kinase; plus strand). Cytogenetic location: 7q31.2.
Variant type: single nucleotide variant.
Coding change: c.1453C>T on transcript NM_000245.4 (MANE Select); coding-DNA position 1453, C replaced by T.
Protein change: p.Pro485Ser; replaces proline 485 with serine.
Molecular consequence: missense variant.
Genome position (GRCh38, 1-based): chr7:116,740,010, C>T. VCF-style: chr7-116740010-C-T. GRCh37 (hg19) VCF-style: chr7-116380064-C-T.
Other names: c.1453C>T, p.Pro485Ser (NM_001127500.3, NM_001324401.3); c.163C>T, p.Pro55Ser (NM_001324402.2); c.1453C>T (NM_001127500.1); short protein forms P55S, P485S.
Identifiers: ClinVar variation 1369813 (VCV001369813.9), dbSNP rs1451954069, ClinGen allele CA368974126.
Genomic context (GRCh38, chr7:116,740,010, plus strand): 5'-GTTGTGGTTTCTCGATCAGGACCATCAACCCCTCATGTGAATTTTCTCCTGGACTCCCAT[C>T]CAGTGTCTCCAGAAGTGATTGTGGAGCATACATTAAACCAAAATGGCTACACACTGGTTA-3'
Protein context (NP_000236.2, residues 475-495): PHVNFLLDSH[Pro485Ser]VSPEVIVEHT